The following is an entry in ClinVar:

ClinVar aggregate classification (germline): Conflicting classifications of pathogenicity. Review status: criteria provided, conflicting classifications (1 of 4 stars). 3 submissions from 3 submitters: Uncertain significance (2); Likely benign (1). Last evaluated 2026-02-27.

Conditions:
Hereditary cancer-predisposing syndrome. Also called: Hereditary Cancer Syndrome; Neoplastic Syndromes, Hereditary; Tumor predisposition; Hereditary neoplastic syndrome. Identifiers: Orphanet 140162, MedGen C0027672, MeSH D009386, MONDO:0015356.
Hereditary breast ovarian cancer syndrome. Also called: Breast and ovarian cancer; Hereditary breast and ovarian cancer; Hereditary breast and ovarian cancer syndrome (HBOC); BRCA1- and BRCA2-Associated Hereditary Breast and Ovarian Cancer; Hereditary breast and ovarian cancer syndrome; Hereditary breast and/or ovarian cancer syndrome. Identifiers: Orphanet 145, MedGen C0677776, MeSH D061325, MONDO:0003582. Disease mechanism: loss of function.

Submissions (3):

Ambry Genetics
Classification: Uncertain significance for Hereditary cancer-predisposing syndrome. Last evaluated: 2026-02-27. Review status: criteria provided, single submitter. Criteria: Ambry Variant Classification Scheme 2023. Collection method: clinical testing. Allele origin: germline.
Comment: The p.L1209S variant (also known as c.3626T>C), located in coding exon 9 of the BRCA1 gene, results from a T to C substitution at nucleotide position 3626. The leucine at codon 1209 is replaced by serine, an amino acid with dissimilar properties. This amino acid position is highly conserved in available vertebrate species. In addition, the in silico prediction for this alteration is inconclusive. Based on the available evidence, the clinical significance of this variant remains unclear.

University of Washington Department of Laboratory Medicine, University of Washington
Classification: Likely benign for Hereditary cancer-predisposing syndrome. Last evaluated: 2023-03-23. Review status: criteria provided, single submitter. Criteria: Dines et al. (Genet Med. 2020). Collection method: curation. Allele origin: germline.
Comment: Missense variant in a coldspot region where missense variants are very unlikely to be pathogenic (PMID:31911673).

BRCA1 coldspot (exon 11 using historical exon numbering). Reclassification based on statistical prior probability

Labcorp Genetics (formerly Invitae), Labcorp
Classification: Uncertain significance for Hereditary breast ovarian cancer syndrome. Last evaluated: 2014-08-16. Review status: criteria provided, single submitter. Criteria: Invitae Variant Classification Sherloc (09022015). Collection method: clinical testing. Allele origin: germline.
Comment: In summary, this is a novel BRCA1 missense variant with insufficient evidence for pathogenicity, and has been classified as a Variant of Uncertain Significance. This sequence change affects a highly conserved amino acid. Algorithms developed to predict the effect of missense changes on protein structure and function (SIFT, MutationTaster, AlignGVGD) return conflicting predictions. This sequence change has not been reported in affected patients, and has not been reported as a common polymorphism in the population. This sequence change is also known as 3745T>C.

NM_007294.4(BRCA1):c.3626T>C (p.Leu1209Ser)

Genes: BRCA1 (BRCA1 DNA repair associated; minus strand), LOC126862571 (BRD4-independent group 4 enhancer GRCh37_chr17:41243136-41244335; plus strand). Cytogenetic location: 17q21.31.
Variant type: single nucleotide variant.
Coding change: c.3626T>C on transcript NM_007294.4 (MANE Select); coding-DNA position 3626, T replaced by C.
Protein change: p.Leu1209Ser; replaces leucine 1209 with serine.
Molecular consequence: missense variant. On other transcripts: intron variant (135).
Genome position (GRCh38, 1-based): chr17:43,091,905, A>G on the plus strand (T>C on the coding strand, the complement: BRCA1 is on the minus strand). VCF-style: chr17-43091905-A-G. GRCh37 (hg19) VCF-style: chr17-41243922-A-G.
Other names: c.3413T>C, p.Leu1138Ser (NM_001407571.1, NM_001407853.1, NM_001407894.1 and 9 more transcripts); c.3626T>C, p.Leu1209Ser (NM_001407581.1, NM_001407582.1, NM_001407583.1 and 30 more transcripts); c.3623T>C, p.Leu1208Ser (NM_001407587.1, NM_001407590.1, NM_001407591.1 and 22 more transcripts); c.3617T>C, p.Leu1206Ser (NM_001407646.1, NM_001407647.1); c.3503T>C, p.Leu1168Ser (NM_001407648.1, NM_001407664.1, NM_001407665.1 and 19 more transcripts); c.3500T>C, p.Leu1167Ser (NM_001407649.1, NM_001407670.1, NM_001407671.1 and 11 more transcripts); c.3548T>C, p.Leu1183Ser (NM_001407653.1, NM_001407654.1, NM_001407655.1 and 4 more transcripts); c.3545T>C, p.Leu1182Ser (NM_001407659.1, NM_001407660.1, NM_001407661.1 and 1 more transcripts); and 41 more; short protein forms L1162S, L1209S, L1097S, L1120S, L1182S, L1121S, L1139S, L1141S.
Identifiers: ClinVar variation 1061482 (VCV001061482.13), dbSNP rs786203884, ClinGen allele CA10594717.